The following is an entry in ClinVar:

ClinVar aggregate classification (germline): Conflicting classifications of pathogenicity. Review status: criteria provided, conflicting classifications (1 of 4 stars). 4 submissions from 4 submitters: Uncertain significance (1); Likely benign (3). Last evaluated 2025-12-29.

Conditions:
ZFP57-related disorder. Also called: ZFP57-related condition.
Diabetes mellitus, transient neonatal, 1 (TNDM1). Also called: Diabetes Mellitus, 6q24-Related Transient Neonatal. Identifiers: Orphanet 99886, MedGen C1832386, MONDO:0011073, OMIM 601410.

Allele frequency attached by ClinVar (database versions not stated): TOPMed 0.00051; gnomAD 0.00060 and 0.00133; gnomAD exomes 0.00107 and 0.00219; ExAC 0.00138; 1000 Genomes Project 30x 0.00515; 1000 Genomes Project 0.00639.
gnomAD v4.1: 3,355 of 1,614,102 alleles (0.21%); highest among the groups gnomAD compares: East Asian, 5.7%; 147 homozygotes.

Submissions (5):

Labcorp Genetics (formerly Invitae), Labcorp
Classification: Likely benign. Last evaluated: 2025-12-29. Review status: criteria provided, single submitter. Criteria: Invitae Variant Classification Sherloc (09022015). Collection method: clinical testing. Allele origin: germline.

PreventionGenetics, part of Exact Sciences
Classification: Likely benign for ZFP57-related condition. Last evaluated: 2025-05-28. Review status: criteria provided, single submitter. Criteria: ACMG Guidelines, 2015. Collection method: clinical testing. Allele origin: germline.
Comment: This variant is classified as likely benign based on ACMG/AMP sequence variant interpretation guidelines (Richards et al. 2015 PMID: 25741868, with internal and published modifications).

Illumina Laboratory Services, Illumina
Classification: Likely benign for Diabetes mellitus, transient neonatal, 1. Last evaluated: 2018-01-13. Review status: criteria provided, single submitter. Criteria: ICSL Variant Classification Criteria 13 December 2019. Collection method: clinical testing. Allele origin: germline.
Comment: This variant was observed in the ICSL laboratory as part of a predisposition screen in an ostensibly healthy population. It had not been previously curated by ICSL or reported in the Human Gene Mutation Database (HGMD: prior to June 1st, 2018), and was therefore a candidate for classification through an automated scoring system. Utilizing variant allele frequency, disease prevalence and penetrance estimates, and inheritance mode, an automated score was calculated to assess if this variant is too frequent to cause the disease. Based on the score and internal cut-off values, a variant classified as likely benign is not then subjected to further curation. The score for this variant resulted in a classification of likely benign for this disease.

Genetic Services Laboratory, University of Chicago
Classification: Uncertain significance. Last evaluated: 2013-11-04. Review status: criteria provided, single submitter. Criteria: ACMG Guidelines, 2007. Collection method: clinical testing. Allele origin: germline. Inheritance: Autosomal recessive inheritance.

Dr. Peter K. Rogan Lab, Western University
No classification provided (evidence only). Condition: Gastric cancer. Review status: no classification provided. Collection method: in vitro. Allele origin: not applicable. Functional consequence: retained intron. Not counted in ClinVar's aggregate classification.

NM_001109809.5(ZFP57):c.113G>A (p.Arg38Gln)

Gene: ZFP57 (ZFP57 zinc finger protein; minus strand). Cytogenetic location: 6p22.1.
Variant type: single nucleotide variant.
Coding change: c.113G>A on transcript NM_001109809.5 (MANE Select); coding-DNA position 113, G replaced by A.
Protein change: p.Arg38Gln; replaces arginine 38 with glutamine.
Molecular consequence: missense variant. On other transcripts: intron variant (1).
Genome position (GRCh38, 1-based): chr6:29,676,891, C>T on the plus strand (G>A on the coding strand, the complement: ZFP57 is on the minus strand). VCF-style: chr6-29676891-C-T. GRCh37 (hg19) VCF-style: chr6-29644668-C-T.
Other names: c.-93-832G>A (NM_001366333.2); short protein forms R38Q.
Identifiers: ClinVar variation 130770 (VCV000130770.18), dbSNP rs142917604, ClinGen allele CA231660.